The following is an entry in ClinVar:

ClinVar aggregate classification (germline): Uncertain significance (1 of 4 stars; one submission).

Conditions:
Paroxysmal nonkinesigenic dyskinesia. Also called: Paroxysmal non-kinesigenic dyskinesia. Identifiers: Orphanet 98810, MedGen C1869117, MONDO:0700088.

Allele frequency attached by ClinVar (database versions not stated): TOPMed below 0.00001.

Submission:

Labcorp Genetics (formerly Invitae), Labcorp
Classification: Uncertain significance for Paroxysmal nonkinesigenic dyskinesia. Last evaluated: 2024-04-22. Review status: criteria provided, single submitter. Criteria: Invitae Variant Classification Sherloc (09022015). Collection method: clinical testing. Allele origin: germline.
Comment: This sequence change replaces cysteine, which is neutral and slightly polar, with tyrosine, which is neutral and polar, at codon 347 of the PNKD protein (p.Cys347Tyr). This variant is not present in population databases (gnomAD no frequency). This variant has not been reported in the literature in individuals affected with PNKD-related conditions. Advanced modeling of protein sequence and biophysical properties (such as structural, functional, and spatial information, amino acid conservation, physicochemical variation, residue mobility, and thermodynamic stability) performed at Invitae indicates that this missense variant is not expected to disrupt PNKD protein function with a negative predictive value of 80%. In summary, the available evidence is currently insufficient to determine the role of this variant in disease. Therefore, it has been classified as a Variant of Uncertain Significance.

NM_015488.5(PNKD):c.1040G>A (p.Cys347Tyr)

Genes: CATIP-AS2 (CATIP antisense RNA 2; minus strand), PNKD (PNKD metallo-beta-lactamase domain containing; plus strand). Cytogenetic location: 2q35.
Variant type: single nucleotide variant.
Coding change: c.1040G>A on transcript NM_015488.5 (MANE Select); coding-DNA position 1040, G replaced by A.
Protein change: p.Cys347Tyr; replaces cysteine 347 with tyrosine.
Molecular consequence: missense variant.
Genome position (GRCh38, 1-based): chr2:218,344,863, G>A. VCF-style: chr2-218344863-G-A. GRCh37 (hg19) VCF-style: chr2-219209586-G-A.
Other names: c.968G>A, p.Cys323Tyr (NM_022572.5); short protein forms C347Y, C323Y.
Identifiers: ClinVar variation 2887269 (VCV002887269.3), dbSNP rs1261959491, ClinGen allele CA350543683.